The following is an entry in ClinVar:

ClinVar aggregate classification (germline): Benign/Likely benign. Review status: criteria provided, multiple submitters, no conflicts (2 of 4 stars). 2 submissions from 2 submitters: Benign (1); Likely benign (1). Last evaluated 2026-04-22.

Conditions:
Colorectal cancer, susceptibility to, 1. Also called: COLORECTAL ADENOMA AND CANCER, SUSCEPTIBILITY TO; COLORECTAL CANCER, SUSCEPTIBILITY TO, ON CHROMOSOME 9. Identifiers: MedGen C1837315, MONDO:0012132, OMIM 608812.

Submissions (2):

Myriad Genetics, Inc.
Classification: Benign for Colorectal cancer, susceptibility to, 1. Last evaluated: 2026-04-22. Review status: criteria provided, single submitter. Criteria: Myriad Autosomal Dominant, Autosomal Recessive and X-Linked Classification Criteria (2023). Collection method: clinical testing. Allele origin: unknown.
Comment: This variant is considered benign. This variant is a silent/synonymous amino acid change and it is not expected to impact splicing.

Labcorp Genetics (formerly Invitae), Labcorp
Classification: Likely benign. Last evaluated: 2025-06-20. Review status: criteria provided, single submitter. Criteria: Invitae Variant Classification Sherloc (09022015). Collection method: clinical testing. Allele origin: germline.

NM_024642.5(GALNT12):c.105G>A (p.Ser35=)

Genes: GALNT12 (polypeptide N-acetylgalactosaminyltransferase 12; plus strand), LOC130002222 (ATAC-STARR-seq lymphoblastoid silent region 20123; plus strand). Cytogenetic location: 9q22.33.
Variant type: single nucleotide variant.
Coding change: c.105G>A on transcript NM_024642.5 (MANE Select); coding-DNA position 105, G replaced by A.
Protein change: p.Ser35=; no amino-acid change (serine 35 retained).
Molecular consequence: synonymous variant.
Genome position (GRCh38, 1-based): chr9:98,807,803, G>A. VCF-style: chr9-98807803-G-A. GRCh37 (hg19) VCF-style: chr9-101570085-G-A.
Identifiers: ClinVar variation 4743689 (VCV004743689.2).